The following is an entry in ClinVar:

ClinVar aggregate classification (germline): Uncertain significance (1 of 4 stars; one submission).

Conditions:
Tuberous sclerosis 1 (TSC1). Identifiers: Orphanet 805, MedGen C1854465, MONDO:0008612, OMIM 191100.

Submission:

Labcorp Genetics (formerly Invitae), Labcorp
Classification: Uncertain significance for Tuberous sclerosis 1. Last evaluated: 2019-12-11. Review status: criteria provided, single submitter. Criteria: Invitae Variant Classification Sherloc (09022015). Collection method: clinical testing. Allele origin: germline.
Comment: This sequence change replaces tryptophan with cysteine at codon 164 of the TSC1 protein (p.Trp164Cys). The tryptophan residue is highly conserved and there is a large physicochemical difference between tryptophan and cysteine. This variant is not present in population databases (ExAC no frequency). This variant has not been reported in the literature in individuals with TSC1-related conditions. Algorithms developed to predict the effect of missense changes on protein structure and function are either unavailable or do not agree on the potential impact of this missense change (SIFT: "Deleterious"; PolyPhen-2: "Probably Damaging"; Align-GVGD: "Class C0"). In summary, the available evidence is currently insufficient to determine the role of this variant in disease. Therefore, it has been classified as a Variant of Uncertain Significance.

NM_000368.5(TSC1):c.492G>C (p.Trp164Cys)

Gene: TSC1 (TSC complex subunit 1; minus strand). Cytogenetic location: 9q34.13.
Variant type: single nucleotide variant.
Coding change: c.492G>C on transcript NM_000368.5 (MANE Select); coding-DNA position 492, G replaced by C.
Protein change: p.Trp164Cys; replaces tryptophan 164 with cysteine.
Molecular consequence: missense variant.
Genome position (GRCh38, 1-based): chr9:132,923,364, C>G on the plus strand (G>C on the coding strand, the complement: TSC1 is on the minus strand). VCF-style: chr9-132923364-C-G. GRCh37 (hg19) VCF-style: chr9-135798751-C-G.
Other names: c.492G>C, p.Trp164Cys (NM_001162426.2); c.339G>C, p.Trp113Cys (NM_001162427.2); c.129G>C, p.Trp43Cys (NM_001362177.2); short protein forms W43C, W113C, W164C.
Identifiers: ClinVar variation 864511 (VCV000864511.9), dbSNP rs1554819870, ClinGen allele CA375373168.